The following is an entry in ClinVar:

ClinVar aggregate classification (germline): Likely benign. Review status: criteria provided, multiple submitters, no conflicts (2 of 4 stars). 2 submissions from 2 submitters: Likely benign (2). Last evaluated 2025-12-24.

Conditions:
Familial cancer of breast. Also called: hereditary breast carcinoma; Hereditary breast cancer; BREAST CANCER, FAMILIAL. Identifiers: Orphanet 227535, MedGen C0346153, MONDO:0016419, OMIM 114480. Disease mechanism: loss of function.

Submissions (2):

Labcorp Genetics (formerly Invitae), Labcorp
Classification: Likely benign for Familial cancer of breast. Last evaluated: 2025-12-24. Review status: criteria provided, single submitter. Criteria: Invitae Variant Classification Sherloc (09022015). Collection method: clinical testing. Allele origin: germline.

Myriad Genetics, Inc.
Classification: Likely benign for Familial cancer of breast. Last evaluated: 2024-07-25. Review status: criteria provided, single submitter. Criteria: Myriad Autosomal Dominant, Autosomal Recessive and X-Linked Classification Criteria (2023). Collection method: clinical testing. Allele origin: unknown.
Comment: This variant is considered likely benign. This variant is intronic and is not expected to impact mRNA splicing.

NM_000465.4(BARD1):c.1569-20A>T

Gene: BARD1 (BRCA1 associated RING domain 1; minus strand). Cytogenetic location: 2q35.
Variant type: single nucleotide variant.
Coding change: c.1569-20A>T on transcript NM_000465.4 (MANE Select); 20 bases into the intron before coding-DNA position 1569, A replaced by T.
Molecular consequence: intron variant.
Genome position (GRCh38, 1-based): chr2:214,752,575, T>A on the plus strand (A>T on the coding strand, the complement: BARD1 is on the minus strand). VCF-style: chr2-214752575-T-A. GRCh37 (hg19) VCF-style: chr2-215617299-T-A.
Other names: c.159-20A>T (NM_001282548.2); c.1512-20A>T (NM_001282543.2); c.216-20A>T (NM_001282545.2); c.365-22067A>T (NM_001282549.2).
Identifiers: ClinVar variation 2002440 (VCV002002440.5), dbSNP rs751731322, ClinGen allele CA2580065610.